The following is an entry in ClinVar:

ClinVar aggregate classification (germline): Likely benign (1 of 4 stars; one submission).

gnomAD v4.1: 99 of 1,613,330 alleles (0.0061%); highest among the groups gnomAD compares: South Asian, 0.056%; 1 homozygote.

Submission:

CeGaT Center for Human Genetics Tuebingen
Classification: Likely benign. Last evaluated: 2025-11-01. Review status: criteria provided, single submitter. Criteria: CeGaT Center For Human Genetics Tuebingen Variant Classification Criteria Version 2. Collection method: clinical testing. Allele origin: germline. Affected: yes. Observed: 1 variant allele.
Comment: TTC16: BP4, BP7

NM_144965.3(TTC16):c.612C>T (p.Ala204=)

Gene: TTC16 (tetratricopeptide repeat domain 16; plus strand). Cytogenetic location: 9q34.11.
Variant type: single nucleotide variant.
Coding change: c.612C>T on transcript NM_144965.3 (MANE Select); coding-DNA position 612, C replaced by T.
Protein change: p.Ala204=; no amino-acid change (alanine 204 retained).
Molecular consequence: synonymous variant.
Genome position (GRCh38, 1-based): chr9:127,720,350, C>T. VCF-style: chr9-127720350-C-T. GRCh37 (hg19) VCF-style: chr9-130482629-C-T.
Other names: c.573C>T, p.Ala191= (NM_001317037.2).
Identifiers: ClinVar variation 4534429 (VCV004534429.6).